The following is an entry in ClinVar:

ClinVar aggregate classification (germline): Pathogenic/Likely pathogenic. Review status: criteria provided, multiple submitters, no conflicts (2 of 4 stars). 3 submissions from 3 submitters: Pathogenic (2); Likely pathogenic (1). Last evaluated 2024-07-09.

Conditions:
CHM-related disorders.

Submissions (3):

GeneDx
Classification: Likely pathogenic. Last evaluated: 2024-07-09. Review status: criteria provided, single submitter. Criteria: GeneDx Variant Classification Process June 2021. Collection method: clinical testing. Allele origin: germline. Affected: yes.
Comment: Canonical splice site variant predicted to result in an in-frame loss of the adjacent exon in a gene for which loss of function is a known mechanism of disease; Not observed at significant frequency in large population cohorts (gnomAD); This variant is associated with the following publications: (PMID: 23811034, 27820636)

Labcorp Genetics (formerly Invitae), Labcorp
Classification: Pathogenic. Last evaluated: 2022-11-01. Review status: criteria provided, single submitter. Criteria: Invitae Variant Classification Sherloc (09022015). Collection method: clinical testing. Allele origin: germline.
Comment: This sequence change affects a donor splice site in intron 6 of the CHM gene. It is expected to disrupt RNA splicing. Variants that disrupt the donor or acceptor splice site typically lead to a loss of protein function (PMID: 16199547), and loss-of-function variants in CHM are known to be pathogenic (PMID: 9067750, 23811034). This variant is not present in population databases (gnomAD no frequency). Disruption of this splice site has been observed in individuals with choroideremia (PMID: 23811034). ClinVar contains an entry for this variant (Variation ID: 866747). Algorithms developed to predict the effect of sequence changes on RNA splicing suggest that this variant may disrupt the consensus splice site. For these reasons, this variant has been classified as Pathogenic.

Blueprint Genetics
Classification: Pathogenic for CHM-related disorders. Last evaluated: 2020-11-04. Review status: criteria provided, single submitter. Criteria: ACMG Guidelines, 2015. Collection method: clinical testing. Allele origin: germline. Affected: yes. Observed: 2 variant alleles.

Literature cited by the submitters: PubMed 16199547 (cited by Labcorp Genetics (formerly Invitae), Labcorp); PubMed 9067750 (cited by Labcorp Genetics (formerly Invitae), Labcorp); PubMed 23811034 (cited by Labcorp Genetics (formerly Invitae), Labcorp).

NM_000390.4(CHM):c.819+1G>A

Gene: CHM (CHM Rab escort protein; minus strand). Cytogenetic location: Xq21.2.
Variant type: single nucleotide variant.
Coding change: c.819+1G>A on transcript NM_000390.4 (MANE Select); the canonical splice donor site of the intron after coding-DNA position 819, G replaced by A.
Molecular consequence: splice donor variant.
Genome position (GRCh38, 1-based): chrX:85,958,860, C>T on the plus strand (G>A on the coding strand, the complement: CHM is on the minus strand). VCF-style: chrX-85958860-C-T. GRCh37 (hg19) VCF-style: chrX-85213865-C-T.
Other names: c.375+1G>A (NM_001362519.1, NM_001362517.1, NM_001320959.1 and 1 more transcripts).
Identifiers: ClinVar variation 866747 (VCV000866747.10), dbSNP rs1603263147, ClinGen allele CA413785942.